The following is an entry in ClinVar:

ClinVar aggregate classification (germline): Benign/Likely benign. Review status: criteria provided, multiple submitters, no conflicts (2 of 4 stars). 3 submissions from 3 submitters: Benign (2); Likely benign (1). Last evaluated 2026-08-01.

Allele frequency attached by ClinVar (database versions not stated): 1000 Genomes Project 0.00260; 1000 Genomes Project 30x 0.00265; gnomAD 0.00471 and 0.00475; ExAC 0.00539; TOPMed 0.00541; gnomAD exomes 0.00546 and 0.00557; ESP Exome Variant Server 0.00577.
gnomAD v4.1: 8,694 of 1,573,906 alleles (0.55%); highest among the groups gnomAD compares: Middle Eastern, 0.77%; 43 homozygotes.

Submissions (3):

CeGaT Center for Human Genetics Tuebingen
Classification: Likely benign. Last evaluated: 2026-08-01. Review status: criteria provided, single submitter. Criteria: CeGaT Center For Human Genetics Tuebingen Variant Classification Criteria Version 2. Collection method: clinical testing. Allele origin: germline. Affected: yes. Observed: 11 variant alleles.
Comment: DAB1: BP4, BP7, BS2

Labcorp Genetics (formerly Invitae), Labcorp
Classification: Benign. Last evaluated: 2019-12-31. Review status: criteria provided, single submitter. Criteria: Invitae Variant Classification Sherloc (09022015). Collection method: clinical testing. Allele origin: germline.

Breakthrough Genomics
Classification: Benign. Review status: criteria provided, single submitter. Criteria: ACMG Guidelines, 2015. Collection method: not provided. Allele origin: germline. Inheritance: Autosomal dominant inheritance. Affected: yes.

NM_001365792.1(DAB1):c.1659C>T (p.Ala553=)

Gene: DAB1 (DAB adaptor protein 1; minus strand). Cytogenetic location: 1p32.2.
Variant type: single nucleotide variant.
Coding change: c.1659C>T on transcript NM_001365792.1 (MANE Select); coding-DNA position 1659, C replaced by T.
Protein change: p.Ala553=; no amino-acid change (alanine 553 retained).
Molecular consequence: synonymous variant.
Genome position (GRCh38, 1-based): chr1:57,010,704, G>A on the plus strand (C>T on the coding strand, the complement: DAB1 is on the minus strand). VCF-style: chr1-57010704-G-A. GRCh37 (hg19) VCF-style: chr1-57476377-G-A.
Other names: c.1659C>T, p.Ala553= (NM_001353983.2, NM_001353985.2, NM_001365793.1 and 2 more transcripts); c.1653C>T, p.Ala551= (NM_001353986.2, NM_001379461.1).
Identifiers: ClinVar variation 780002 (VCV000780002.29), dbSNP rs141647150, ClinGen allele CA876159.
Genomic context (GRCh38, chr1:57,010,704, plus strand): 5'-TTAAGGGTAAAGGAGATAAAAAGGACAGATACCTACCCAGACCTGCGCTATCTAGCTACC[G>A]GCCTGTGGACTTATATTATCACCACTGGGCTCCCCACTGGGCTCACCAAATGGATCACTG-3'
Protein context (NP_001352721.1, residues 543-555): EPSGDNISPQ[Ala553=]GS